The following is an entry in ClinVar:

NM_000421.5(KRT10):c.1495T>C (p.Tyr499His)

Gene: KRT10 (keratin 10; minus strand). Cytogenetic location: 17q21.2.
Variant type: single nucleotide variant.
Coding change: c.1495T>C on transcript NM_000421.5 (MANE Select); coding-DNA position 1495, T replaced by C.
Protein change: p.Tyr499His; replaces tyrosine 499 with histidine.
Molecular consequence: missense variant.
Genome position (GRCh38, 1-based): chr17:40,819,040, A>G on the plus strand (T>C on the coding strand, the complement: KRT10 is on the minus strand). VCF-style: chr17-40819040-A-G. GRCh37 (hg19) VCF-style: chr17-38975292-A-G.
Other names: c.1495T>C, p.Tyr499His (NM_001379366.1); c.1495T>C (NM_000421.3); short protein forms Y499H.
Identifiers: ClinVar variation 2054668 (VCV002054668.16), dbSNP rs571434577, ClinGen allele CA8548009.

ClinVar aggregate classification (germline): Likely benign. Review status: criteria provided, multiple submitters, no conflicts (2 of 4 stars). 4 submissions from 4 submitters: Likely benign (3). 1 of the submissions does not count toward it. Last evaluated 2025-06-01.

Conditions:
KRT10-related disorder. Also called: KRT10-related condition.

Allele frequency attached by ClinVar (database versions not stated): ExAC 0.00072; gnomAD exomes 0.00072; 1000 Genomes Project 0.00080; gnomAD 0.00087.

Submissions (4):

CeGaT Center for Human Genetics Tuebingen
Classification: Likely benign. Last evaluated: 2025-06-01. Review status: criteria provided, single submitter. Criteria: CeGaT Center For Human Genetics Tuebingen Variant Classification Criteria Version 2. Collection method: clinical testing. Allele origin: germline. Affected: yes. Observed: 1 variant allele.
Comment: KRT10: BS2

Blueprint Genetics
Classification: Likely benign. Last evaluated: 2024-11-27. Review status: criteria provided, single submitter. Criteria: ACMG Guidelines, 2015. Collection method: clinical testing. Allele origin: germline.

Labcorp Genetics (formerly Invitae), Labcorp
Classification: Likely benign. Last evaluated: 2024-11-03. Review status: criteria provided, single submitter. Criteria: Invitae Variant Classification Sherloc (09022015). Collection method: clinical testing. Allele origin: germline.

PreventionGenetics, part of Exact Sciences
Classification: Likely benign for KRT10-related condition. Last evaluated: 2024-09-23. Review status: no assertion criteria provided. Collection method: clinical testing. Allele origin: germline. Not counted in ClinVar's aggregate classification.
Comment: This variant is classified as likely benign based on ACMG/AMP sequence variant interpretation guidelines (Richards et al. 2015 PMID: 25741868, with internal and published modifications).